The following is an entry in ClinVar:

NM_006648.4(WNK2):c.5569A>G (p.Thr1857Ala)

Gene: WNK2 (WNK lysine deficient protein kinase 2; plus strand). Cytogenetic location: 9q22.31.
Variant type: single nucleotide variant.
Coding change: c.5569A>G on transcript NM_006648.4 (MANE Select); coding-DNA position 5569, A replaced by G.
Protein change: p.Thr1857Ala; replaces threonine 1857 with alanine.
Molecular consequence: missense variant.
Genome position (GRCh38, 1-based): chr9:93,293,034, A>G. VCF-style: chr9-93293034-A-G. GRCh37 (hg19) VCF-style: chr9-96055316-A-G.
Other names: c.5680A>G, p.Thr1894Ala (NM_001282394.3); short protein forms T1894A, T1857A.
Identifiers: ClinVar variation 4201696 (VCV004201696.1).

ClinVar aggregate classification (germline): Uncertain significance (1 of 4 stars; one submission).

Submission:

Ambry Genetics
Classification: Uncertain significance. Last evaluated: 2025-08-02. Review status: criteria provided, single submitter. Criteria: Ambry Variant Classification Scheme 2023. Collection method: clinical testing. Allele origin: germline.
Comment: The p.T1857A variant (also known as c.5569A>G), located in coding exon 22 of the WNK2 gene, results from an A to G substitution at nucleotide position 5569. The threonine at codon 1857 is replaced by alanine, an amino acid with similar properties. This amino acid position is conserved. In addition, this alteration is predicted to be tolerated by in silico analysis. Based on the available evidence, the clinical significance of this variant remains unclear.